The following is an entry in ClinVar:

ClinVar aggregate classification (germline): Uncertain significance (1 of 4 stars; one submission).

Conditions:
Cardiovascular phenotype. Identifiers: MedGen CN230736.

Allele frequency attached by ClinVar (database versions not stated): gnomAD 0.00001; 1000 Genomes Project 30x 0.00016.
gnomAD v4.1: 1 of 1,549,654 alleles (0.000065%); highest among the groups gnomAD compares: East Asian, 0.0024%; no homozygotes.

Submission:

Ambry Genetics
Classification: Uncertain significance for Cardiovascular phenotype. Last evaluated: 2021-08-31. Review status: criteria provided, single submitter. Criteria: Ambry Variant Classification Scheme 2023. Collection method: clinical testing. Allele origin: germline.
Comment: The p.G2297D variant (also known as c.6890G>A), located in coding exon 2 of the ZNF469 gene, results from a G to A substitution at nucleotide position 6890. The glycine at codon 2297 is replaced by aspartic acid, an amino acid with similar properties. This amino acid position is conserved. In addition, this alteration is predicted to be tolerated by in silico analysis. Since supporting evidence is limited at this time, the clinical significance of this alteration remains unclear.

NM_001367624.2(ZNF469):c.6974G>A (p.Gly2325Asp)

Gene: ZNF469 (zinc finger protein 469; plus strand). Cytogenetic location: 16q24.2.
Variant type: single nucleotide variant.
Coding change: c.6974G>A on transcript NM_001367624.2 (MANE Select); coding-DNA position 6974, G replaced by A.
Protein change: p.Gly2325Asp; replaces glycine 2325 with aspartic acid.
Molecular consequence: missense variant.
Genome position (GRCh38, 1-based): chr16:88,434,444, G>A. VCF-style: chr16-88434444-G-A. GRCh37 (hg19) VCF-style: chr16-88500852-G-A.
Other names: NM_001127464.1:c.6890G>A; short protein forms G2325D.
Identifiers: ClinVar variation 1756006 (VCV001756006.2), dbSNP rs2142310201, ClinGen allele CA397108047.